The following is an entry in ClinVar:

NM_001330617.2(ZNF17):c.1206A>G (p.Thr402=)

Gene: ZNF17 (zinc finger protein 17; plus strand). Cytogenetic location: 19q13.43.
Variant type: single nucleotide variant.
Coding change: c.1206A>G on transcript NM_001330617.2 (MANE Select); coding-DNA position 1206, A replaced by G.
Protein change: p.Thr402=; no amino-acid change (threonine 402 retained).
Molecular consequence: synonymous variant.
Genome position (GRCh38, 1-based): chr19:57,420,692, A>G. VCF-style: chr19-57420692-A-G. GRCh37 (hg19) VCF-style: chr19-57932060-A-G.
Other names: c.1200A>G, p.Thr400= (NM_006959.3).
Identifiers: ClinVar variation 3034334 (VCV003034334.2), dbSNP rs201521062, ClinGen allele CA9698730.
Genomic context (GRCh38, chr19:57,420,692, plus strand): 5'-TACTGGAGAAAAACCTTATGAATGCAACGAATGTGGGAAATTCTTTAGATACCGTTCCAC[A>G]CTCATTAGACATCAGAAAGTTCACACTGGAGAAAAGCCTTATGAGTGTAGTGAATGTGGG-3'
Protein context (NP_001317546.1, residues 392-412): ECGKFFRYRS[Thr402=]LIRHQKVHTG

ClinVar aggregate classification (germline): Likely benign (0 of 4 stars; one submission).

Conditions:
ZNF17-related disorder. Also called: ZNF17-related condition.

Allele frequency attached by ClinVar (database versions not stated): 1000 Genomes Project 30x 0.00016; ExAC 0.00089; gnomAD 0.00137; ESP Exome Variant Server 0.00162; gnomAD exomes 0.00183.
gnomAD v4.1: 2,878 of 1,613,542 alleles (0.18%); highest among the groups gnomAD compares: Non-Finnish European, 0.22%; 5 homozygotes.

Submission:

PreventionGenetics, part of Exact Sciences
Classification: Likely benign for ZNF17-related condition. Last evaluated: 2024-02-12. Review status: no assertion criteria provided. Collection method: clinical testing. Allele origin: germline.
Comment: This variant is classified as likely benign based on ACMG/AMP sequence variant interpretation guidelines (Richards et al. 2015 PMID: 25741868, with internal and published modifications).